The following is an entry in ClinVar:

NC_000022.10:g.(?_41277754)_(41278201_?)del

Gene: XPNPEP3 (X-prolyl aminopeptidase 3; plus strand). Cytogenetic location: 22q13.2.
Variant type: Deletion.
Identifiers: ClinVar variation 2426714 (VCV002426714.4).

ClinVar aggregate classification (germline): Uncertain significance (1 of 4 stars; one submission).

Conditions:
Nephronophthisis-like nephropathy 1 (NPHPL1). Identifiers: Orphanet 655, MedGen C3150419, MONDO:0013163, OMIM 613159.

Submission:

Labcorp Genetics (formerly Invitae), Labcorp
Classification: Uncertain significance for Nephronophthisis-like nephropathy 1. Last evaluated: 2022-07-24. Review status: criteria provided, single submitter. Criteria: Invitae Variant Classification Sherloc (09022015). Collection method: clinical testing. Allele origin: germline.
Comment: In summary, the available evidence is currently insufficient to determine the role of this variant in disease. Therefore, it has been classified as a Variant of Uncertain Significance. Experimental studies and prediction algorithms are not available or were not evaluated, and the functional significance of this variant is currently unknown. This variant has not been reported in the literature in individuals affected with XPNPEP3-related conditions. This variant is a gross deletion of the genomic region encompassing exon(s) 3 of the XPNPEP3 gene. This variant would be expected to be in-frame, preserving the integrity of the reading frame.